The following is an entry in ClinVar:

NM_007254.4(PNKP):c.1503C>G (p.Ile501Met)

Gene: PNKP (polynucleotide kinase 3'-phosphatase; minus strand). Cytogenetic location: 19q13.33.
Variant type: single nucleotide variant.
Coding change: c.1503C>G on transcript NM_007254.4 (MANE Select); coding-DNA position 1503, C replaced by G.
Protein change: p.Ile501Met; replaces isoleucine 501 with methionine.
Molecular consequence: missense variant.
Genome position (GRCh38, 1-based): chr19:49,861,311, G>C on the plus strand (C>G on the coding strand, the complement: PNKP is on the minus strand). VCF-style: chr19-49861311-G-C. GRCh37 (hg19) VCF-style: chr19-50364568-G-C.
Other names: short protein forms I501M.
Identifiers: ClinVar variation 1487502 (VCV001487502.8), dbSNP rs1293393287, ClinGen allele CA406932464.

ClinVar aggregate classification (germline): Uncertain significance (1 of 4 stars; one submission).

Conditions:
Developmental and epileptic encephalopathy, 12 (DEE12). Identifiers: MedGen C3150988, MONDO:0013389, OMIM 613722.

Allele frequency attached by ClinVar (database versions not stated): gnomAD exomes below 0.00001; TOPMed 0.00001.
gnomAD v4.1: 1 of 1,614,114 alleles (0.000062%); highest among the groups gnomAD compares: Non-Finnish European, 0.000085%; no homozygotes.

Submission:

Labcorp Genetics (formerly Invitae), Labcorp
Classification: Uncertain significance for Developmental and epileptic encephalopathy, 12. Last evaluated: 2020-11-21. Review status: criteria provided, single submitter. Criteria: Invitae Variant Classification Sherloc (09022015). Collection method: clinical testing. Allele origin: germline.
Comment: In summary, the available evidence is currently insufficient to determine the role of this variant in disease. Therefore, it has been classified as a Variant of Uncertain Significance. Algorithms developed to predict the effect of missense changes on protein structure and function are either unavailable or do not agree on the potential impact of this missense change (SIFT: "Deleterious"; PolyPhen-2: "Probably Damaging"; Align-GVGD: "Class C0"). This variant has not been reported in the literature in individuals with PNKP-related conditions. This variant is not present in population databases (ExAC no frequency). This sequence change replaces isoleucine with methionine at codon 501 of the PNKP protein (p.Ile501Met). The isoleucine residue is moderately conserved and there is a small physicochemical difference between isoleucine and methionine.